The following is an entry in ClinVar:

NM_024753.5(TTC21B):c.1573T>C (p.Tyr525His)

Gene: TTC21B (tetratricopeptide repeat domain 21B; minus strand). Cytogenetic location: 2q24.3.
Variant type: single nucleotide variant.
Coding change: c.1573T>C on transcript NM_024753.5 (MANE Select); coding-DNA position 1573, T replaced by C.
Protein change: p.Tyr525His; replaces tyrosine 525 with histidine.
Molecular consequence: missense variant.
Genome position (GRCh38, 1-based): chr2:165,919,377, A>G on the plus strand (T>C on the coding strand, the complement: TTC21B is on the minus strand). VCF-style: chr2-165919377-A-G. GRCh37 (hg19) VCF-style: chr2-166775887-A-G.
Other names: short protein forms Y525H.
Identifiers: ClinVar variation 1353360 (VCV001353360.11), dbSNP rs377009251, ClinGen allele CA1942079.

ClinVar aggregate classification (germline): Uncertain significance. Review status: criteria provided, multiple submitters, no conflicts (2 of 4 stars). 5 submissions from 5 submitters: Uncertain significance (5). Last evaluated 2026-06-18.

Conditions:
Nephronophthisis 12 (NPHP12). Identifiers: Orphanet 655, MedGen C3151186, MONDO:0013442, OMIM 613820.
Asphyxiating thoracic dystrophy 4 (SRTD4). Also called: SHORT-RIB THORACIC DYSPLASIA 4 WITH OR WITHOUT POLYDACTYLY; SHORT-RIB THORACIC DYSPLASIA 4. Identifiers: Orphanet 474, MedGen C3151185, MONDO:0013441, OMIM 613819.
Nephronophthisis. Also called: Juvenile Nephronophthisis. Identifiers: Orphanet 655, MedGen C0687120, MONDO:0019005, HP:0000090.
Jeune thoracic dystrophy. Also called: Jeune syndrome; Infantile thoracic dystrophy; Thoracic pelvic phalangeal dystrophy; Jeune's syndrome; Chondroectodermal dysplasia-like syndrome; Short-rib thoracic dysplasia. Identifiers: Orphanet 474, MedGen C0265275, MONDO:0018770.
TTC21B-related disorder. Also called: TTC21B-related disorders; TTC21B-related condition.

Allele frequency attached by ClinVar (database versions not stated): ExAC 0.00003; gnomAD exomes 0.00003; TOPMed 0.00003; gnomAD 0.00004; ESP Exome Variant Server 0.00008.
gnomAD v4.1: 47 of 1,614,012 alleles (0.0029%); highest among the groups gnomAD compares: Non-Finnish European, 0.0034%; no homozygotes.

Submissions (5):

PreventionGenetics, part of Exact Sciences
Classification: Uncertain significance for TTC21B-related condition. Last evaluated: 2026-06-18. Review status: criteria provided, single submitter. Criteria: ACMG Guidelines, 2015. Collection method: clinical testing. Allele origin: germline.
Comment: The TTC21B c.1573T>C variant is predicted to result in the amino acid substitution p.Tyr525His. To our knowledge, this variant has not been reported in the literature. This variant is reported in 0.0062% of alleles in individuals of European (Non-Finnish) descent in gnomAD. At this time, the clinical significance of this variant is uncertain due to the absence of conclusive functional and genetic evidence.

Blueprint Genetics
Classification: Uncertain significance. Last evaluated: 2024-10-30. Review status: criteria provided, single submitter. Criteria: ACMG Guidelines, 2015. Collection method: clinical testing. Allele origin: germline.

Labcorp Genetics (formerly Invitae), Labcorp
Classification: Uncertain significance for Jeune thoracic dystrophy; Nephronophthisis. Last evaluated: 2024-10-16. Review status: criteria provided, single submitter. Criteria: Invitae Variant Classification Sherloc (09022015). Collection method: clinical testing. Allele origin: germline.
Comment: This sequence change replaces tyrosine, which is neutral and polar, with histidine, which is basic and polar, at codon 525 of the TTC21B protein (p.Tyr525His). This variant is present in population databases (rs377009251, gnomAD 0.006%). This variant has not been reported in the literature in individuals affected with TTC21B-related conditions. ClinVar contains an entry for this variant (Variation ID: 1353360). Invitae Evidence Modeling of protein sequence and biophysical properties (such as structural, functional, and spatial information, amino acid conservation, physicochemical variation, residue mobility, and thermodynamic stability) indicates that this missense variant is not expected to disrupt TTC21B protein function with a negative predictive value of 95%. In summary, the available evidence is currently insufficient to determine the role of this variant in disease. Therefore, it has been classified as a Variant of Uncertain Significance.

Fulgent Genetics
Classification: Uncertain significance for Asphyxiating thoracic dystrophy 4; Nephronophthisis 12. Last evaluated: 2024-03-14. Review status: criteria provided, single submitter. Criteria: ACMG Guidelines, 2015. Collection method: clinical testing. Allele origin: germline.

GeneDx
Classification: Uncertain significance. Last evaluated: 2022-01-31. Review status: criteria provided, single submitter. Criteria: GeneDx Variant Classification Process June 2021. Collection method: clinical testing. Allele origin: germline. Affected: yes.
Comment: Not observed at significant frequency in large population cohorts (gnomAD); In silico analysis supports that this missense variant does not alter protein structure/function; Has not been previously published as pathogenic or benign to our knowledge